The following is an entry in ClinVar:

ClinVar aggregate classification (germline): Conflicting classifications of pathogenicity. Review status: criteria provided, conflicting classifications (1 of 4 stars). 9 submissions from 9 submitters: Uncertain significance (8); Likely benign (1). Last evaluated 2026-09-22.

Conditions:
Myofibrillar myopathy 5. Also called: FILAMINOPATHY, AUTOSOMAL DOMINANT; Filaminopathy (type). Identifiers: Orphanet 171445, MedGen C1836050, MONDO:0012289, OMIM 609524.
Hypertrophic cardiomyopathy 26. Also called: Cardiomyopathy, familial hypertrophic, 26. Identifiers: Orphanet 75249, MedGen C4310749, MONDO:0014883, OMIM 617047.
Distal myopathy with posterior leg and anterior hand involvement. Also called: WILLIAMS DISTAL MYOPATHY. Identifiers: Orphanet 63273, MedGen C3279722, MONDO:0013550, OMIM 614065.
FLNC-related disorder. Also called: FLNC-related disorders; FLNC-related condition.
Primary familial hypertrophic cardiomyopathy (HCM). Identifiers: Orphanet 99739, MedGen C0949658, MeSH D024741, MONDO:0024573. Inheritance: Various modes of inheritance.
Cardiovascular phenotype. Identifiers: MedGen CN230736.
Hypertrophic cardiomyopathy. Also called: HYPERTROPHIC MYOCARDIOPATHY. Identifiers: Orphanet 217569, MedGen C0007194, MeSH D002312, MONDO:0005045, HP:0001639.

Allele frequency attached by ClinVar (database versions not stated): ExAC 0.00006; gnomAD exomes 0.00006 and 0.00027; TOPMed 0.00012; gnomAD 0.00014 and 0.00015; 1000 Genomes Project 30x 0.00016.
gnomAD v4.1: 391 of 1,537,034 alleles (0.025%); highest among the groups gnomAD compares: Non-Finnish European, 0.033%; 1 homozygote.

Submissions (9):

PreventionGenetics, part of Exact Sciences
Classification: Uncertain significance for FLNC-related condition. Last evaluated: 2026-09-22. Review status: criteria provided, single submitter. Criteria: ACMG Guidelines, 2015. Collection method: clinical testing. Allele origin: germline.
Comment: The FLNC c.5296T>C variant is predicted to result in the amino acid substitution p.Trp1766Arg. This variant was reported in an individual with hypertrophic cardiomyopathy (Table S2, Robyns et al. 2020. PubMed ID: 31513939). This variant is reported in 0.015% of alleles in individuals of European (Non-Finnish) descent in gnomAD. At this time, the clinical significance of this variant is uncertain due to the absence of conclusive functional and genetic evidence.

Labcorp Genetics (formerly Invitae), Labcorp
Classification: Uncertain significance for Distal myopathy with posterior leg and anterior hand involvement; Myofibrillar myopathy 5; Hypertrophic cardiomyopathy 26. Last evaluated: 2026-01-17. Review status: criteria provided, single submitter. Criteria: Invitae Variant Classification Sherloc (09022015). Collection method: clinical testing. Allele origin: germline.
Comment: This sequence change replaces tryptophan, which is neutral and slightly polar, with arginine, which is basic and polar, at codon 1766 of the FLNC protein (p.Trp1766Arg). This variant is present in population databases (rs751650734, gnomAD 0.01%). This missense change has been observed in individual(s) with hypertrophic cardiomyopathy (PMID: 31513939). ClinVar contains an entry for this variant (Variation ID: 472101). An algorithm developed to predict the effect of missense changes on protein structure and function (PolyPhen-2) suggests that this variant is likely to be tolerated. In summary, the available evidence is currently insufficient to determine the role of this variant in disease. Therefore, it has been classified as a Variant of Uncertain Significance.

Ambry Genetics
Classification: Uncertain significance for Cardiovascular phenotype. Last evaluated: 2025-06-09. Review status: criteria provided, single submitter. Criteria: Ambry Variant Classification Scheme 2023. Collection method: clinical testing. Allele origin: germline.
Comment: The p.W1766R variant (also known as c.5296T>C), located in coding exon 31 of the FLNC gene, results from a T to C substitution at nucleotide position 5296. The tryptophan at codon 1766 is replaced by arginine, an amino acid with dissimilar properties. This alteration was reported in a subject with frontotemporal dementia as well as in a control subject (Janssens J et al. Acta Neuropathol Commun, 2015 Nov;3:68). This alteration was also reported in a hypertrophic cardiomyopathy (HCM) cohort (Robyns T et al. Eur J Med Genet, 2020 Mar;63:103754). This amino acid position is highly conserved in available vertebrate species. In addition, the in silico prediction for this alteration is inconclusive. Based on the available evidence, the clinical significance of this variant remains unclear.

ARUP Laboratories, Molecular Genetics and Genomics, ARUP Laboratories
Classification: Uncertain significance. Last evaluated: 2025-05-29. Review status: criteria provided, single submitter. Criteria: ARUP Molecular Germline Variant Investigation Process 2024. Collection method: clinical testing. Allele origin: germline.
Comment: The FLCN c.5296T>C; p.Trp1766Arg variant (rs751650734, ClinVar Variation ID: 472101) is reported in the literature in an individual included in a cohort of hypertrophic cardiomyopathy patients, but is presented without additional evidence of causality (Robyns 2020). This variant is found in the non-Finnish European population with an allele frequency of 0.015% (11/72598 alleles) in the Genome Aggregation Database (v2.1.1). Computational analyses are uncertain whether this variant is neutral or deleterious (REVEL: 0.506). Due to limited information, the clinical significance of this variant is uncertain at this time. References: Robyns T et al. Clinical and ECG variables to predict the outcome of genetic testing in hypertrophic cardiomyopathy. Eur J Med Genet. 2020 Mar;63(3):103754. PMID: 31513939.

Blueprint Genetics
Classification: Likely benign. Last evaluated: 2024-06-13. Review status: criteria provided, single submitter. Criteria: ACMG Guidelines, 2015. Collection method: clinical testing. Allele origin: germline.

GeneDx
Classification: Uncertain significance. Last evaluated: 2024-04-10. Review status: criteria provided, single submitter. Criteria: GeneDx Variant Classification Process June 2021. Collection method: clinical testing. Allele origin: germline. Affected: yes.
Comment: Identified in a patient with frontotemporal dementia (FTD) and in a control in published literature (PMID: 26555887); In silico analysis supports that this missense variant has a deleterious effect on protein structure/function; This variant is associated with the following publications: (PMID: 31513939, 26555887)

Revvity Omics, Revvity
Classification: Uncertain significance. Last evaluated: 2022-09-20. Review status: criteria provided, single submitter. Criteria: ACMG Guidelines, 2015. Collection method: clinical testing. Allele origin: germline.

Victorian Clinical Genetics Services, Murdoch Childrens Research Institute
Classification: Uncertain significance for Hypertrophic cardiomyopathy 26. Last evaluated: 2021-05-06. Review status: criteria provided, single submitter. Criteria: ACMG Guidelines, 2015. Collection method: clinical testing. Allele origin: germline. Inheritance: Autosomal dominant inheritance. Affected: yes.
Comment: Based on the classification scheme VCGS_Germline_v1.3.4, this variant is classified as VUS-3B. Following criteria are met: 0103 - Loss of function and gain of function are known mechanisms of disease in this gene. Null variants are enriched in dilated cardiomyopathy and distal myopathy cohorts (MIM#614065), while missense variants mainly in the ROD2 domain, are enriched in hypertrophic cardiomyopathy, familial (HCM) (MIM#617047), restrictive cardiomyopathy, familial (MIM#617047) and myofibrillar myopathy (MIM#609524) (PMID: 32112656) cohorts. (I) 0107 - This gene is associated with autosomal dominant disease. (I) 0200 - Variant is predicted to result in a missense amino acid change from tryptophan to arginine. However, this variant is close to the intron-exon junction and may have an effect on splicing. (I) 0219 - This variant is non-coding in an alternative transcript. This variant is coding in the ClinVar predominant transcript (NM_001458), but is deep intronic within another transcript (NM_001127487) which is highly expressed in cardiac tissue (GTex). (I) 0251 - This variant is heterozygous. (I) 0302 - Variant is present in gnomAD (v3) <0.001 for a dominant condition (21 heterozygotes, 0 homozygotes). (SP) 0501 - Missense variant consistently predicted to be damaging by multiple in silico tools or highly conserved with a major amino acid change. This nucleotide is highly conserved, but in silico tools were inconclusive in predicting an effect on splicing. (SP) 0600 - Variant is located in the annotated ROD2 domain (PMID: 32112656). (I) 0705 - No comparable missense variants have previous evidence for pathogenicity. (I) 0809 - Previous evidence of pathogenicity for this variant is inconclusive. This variant has been previously reported several times as a VUS, where one individual was reported to have HCM (LOVD, ClinVar). It has also been observed once each in an individual with frontotemporal dementia, and the control cohort (PMID: 26555887). (I) 0905 - No published segregation evidence has been identified for this variant. (I) 1007 - No published functional evidence has been identified for this variant. (I) 1208 - Inheritance information for this variant is not currently available in this individual. (I) Legend: (SP) - Supporting pathogenic, (I) - Information, (SB) - Supporting benign

Center for Human Genetics, University of Leuven
Classification: Uncertain significance for Hypertrophic cardiomyopathy. Last evaluated: 2018-10-31. Review status: criteria provided, single submitter. Criteria: ACMG Guidelines, 2015. Collection method: clinical testing. Allele origin: germline. Affected: yes.

Literature cited by the submitters: PubMed 31513939 (cited by Labcorp Genetics (formerly Invitae), Labcorp and Ambry Genetics); PubMed 26555887 (cited by Ambry Genetics and Victorian Clinical Genetics Services, Murdoch Childrens Research Institute); PubMed 32112656 (cited by Victorian Clinical Genetics Services, Murdoch Childrens Research Institute).

NM_001458.5(FLNC):c.5296T>C (p.Trp1766Arg)

Gene: FLNC (filamin C; plus strand). Cytogenetic location: 7q32.1.
Variant type: single nucleotide variant.
Coding change: c.5296T>C on transcript NM_001458.5 (MANE Select); coding-DNA position 5296, T replaced by C.
Protein change: p.Trp1766Arg; replaces tryptophan 1766 with arginine.
Molecular consequence: missense variant. On other transcripts: intron variant (1).
Genome position (GRCh38, 1-based): chr7:128,850,072, T>C. VCF-style: chr7-128850072-T-C. GRCh37 (hg19) VCF-style: chr7-128490126-T-C.
Other names: c.5200-312T>C (NM_001127487.2); short protein forms W1766R.
Identifiers: ClinVar variation 472101 (VCV000472101.29), dbSNP rs751650734, ClinGen allele CA4475633.
Genomic context (GRCh38, chr7:128,850,072, plus strand): 5'-GAAGTGCCACAGCTGCGCCAGCCCTACGCTCCTCCCCGGCCCGGCGCCCGCCCCACACAC[T>C]GGGTACTGCGCCTCCCACCAGGCGATGTCCTCCTCCTCCTCCCCTTCCTTCATTTCTTCT-3'
Protein context (NP_001449.3, residues 1756-1776): PPRPGARPTH[Trp1766Arg]ATEEPVVPVE